The following continues an entry in ClinVar:

NM_001126108.2(SLC12A3):c.2549T>C (p.Leu850Pro)

Gene: SLC12A3. ClinVar aggregate classification (germline): Pathogenic/Likely pathogenic. Pathogenic (13); Likely pathogenic (1).

Submissions 11 to 18 of 18:

Ambry Genetics
Classification: Pathogenic for Inborn genetic diseases. Last evaluated: 2022-11-14. Review status: criteria provided, single submitter. Criteria: Ambry Variant Classification Scheme 2023. Collection method: clinical testing. Allele origin: germline.
Comment: The c.2576T>C (p.L859P) alteration is located in exon 22 (coding exon 22) of the SLC12A3 gene. This alteration results from a T to C substitution at nucleotide position 2576, causing the leucine (L) at amino acid position 859 to be replaced by a proline (P). Based on data from gnomAD, the C allele has an overall frequency of 0.012% (33/282520) total alleles studied. The highest observed frequency was 0.042% (15/35392) of Latino alleles. This variant has been reported in the homozygous state in multiple individuals with Gitelman syndrome and in conjunction with a second variant in SLC12A3 in individuals with Gitelman syndrome (Simon, 1996; Ji, 2008; Vargas-Poussou, 2011; Berry, 2013; Hureaux, 2019). This amino acid position is well conserved in available vertebrate species. Functional assays demonstrate reduced enzyme activity, protein abundance, post-translation modifications and aberrant protein localization in vitro (Valdez-Flores, 2016). This alteration is predicted to be deleterious by in silico analysis. Based on the available evidence, this alteration is classified as pathogenic.

European Hospital Georges Pompidou Genetics Department, Assistance Publique - Hôpitaux de Paris AP-HP
Classification: Pathogenic for Familial hypokalemia-hypomagnesemia. Last evaluated: 2022-04-27. Review status: criteria provided, single submitter. Criteria: ACMG Guidelines, 2015. Collection method: clinical testing. Allele origin: germline. Affected: yes.
Comment: ACMG criteria used:PS3, PS4, PM2, PM3, PP3, PP5

Genome-Nilou Lab
Classification: Likely pathogenic for Familial hypokalemia-hypomagnesemia. Last evaluated: 2021-07-15. Review status: criteria provided, single submitter. Criteria: ACMG Guidelines, 2015. Collection method: clinical testing. Allele origin: germline. Affected: no.

Clinical Genetics Service, Universitary Hospital 12 de Octubre
Classification: Pathogenic for Familial hypokalemia-hypomagnesemia. Review status: criteria provided, single submitter. Criteria: ACMG Guidelines, 2015. Collection method: clinical testing. Allele origin: germline. Affected: yes.

Baylor Genetics
Classification: Pathogenic for Familial hypokalemia-hypomagnesemia. Last evaluated: 2022-01-29. Review status: no assertion criteria provided. Collection method: clinical testing. Allele origin: unknown. Study: Adult_WES. Not counted in ClinVar's aggregate classification.

OMIM
Classification: Pathogenic for GITELMAN SYNDROME. Last evaluated: 1996-01-01. Review status: no assertion criteria provided. Collection method: literature only. Allele origin: germline. Not counted in ClinVar's aggregate classification.

Genome Diagnostics Laboratory, University Medical Center Utrecht
Classification: Pathogenic. Review status: no assertion criteria provided. Collection method: clinical testing. Allele origin: germline. Affected: yes. Study: VKGL Data-share Consensus. Not counted in ClinVar's aggregate classification.

Joint Genome Diagnostic Labs from Nijmegen and Maastricht, Radboudumc and MUMC+
Classification: Likely pathogenic. Review status: no assertion criteria provided. Collection method: clinical testing. Allele origin: germline. Affected: yes. Study: VKGL Data-share Consensus. Not counted in ClinVar's aggregate classification.

Literature cited by the submitters: PubMed 8528245 (cited by 5 submitters); PubMed 19016647 (cited by Labcorp Genetics (formerly Invitae), Labcorp); PubMed 21415153 (cited by 3 submitters); PubMed 23328711 (cited by 3 submitters); PubMed 27582097 (cited by 4 submitters); PubMed 31285285 (cited by Women's Health and Genetics/Laboratory Corporation of America, LabCorp); PubMed 29398133 (cited by Natera, Inc.); PubMed 18391953 (cited by Genetics Department, Catlab and Ambry Genetics); PubMed 31672324 (cited by 3 submitters); PubMed 26633545 (cited by Baylor Genetics).